The following is an entry in ClinVar:

ClinVar aggregate classification (germline): Likely pathogenic (1 of 4 stars; one submission).

Conditions:
Fanconi anemia complementation group D2. Also called: FANCONI PANCYTOPENIA, TYPE 4; FANCONI ANEMIA, COMPLEMENTATION GROUP D; FANCD2-Related Fanconi Anemia. Identifiers: Orphanet 84, MedGen C3160738, MONDO:0009214, OMIM 227646.

Submission:

Human Genetics Section, Sidra Medicine
Classification: Likely pathogenic for Fanconi anemia complementation group D2. Review status: criteria provided, single submitter. Criteria: ACMG Guidelines, 2015. Collection method: research. Allele origin: germline. Affected: yes.
Comment: Clarification (August 6, 2024): Franklin and VarSome were utilized as supplementary tools to predict the pathogenicity of the identified variant. We are currently preparing the publication detailing these findings, and the PubMed ID (PMID) will be provided upon its release.

NM_001018115.3(FANCD2):c.2404_2405dup (p.Gln802fs)

Genes: FANCD2 (FA complementation group D2; plus strand), LOC107303338 (3p25 FANCD2 Alu-mediated recombination region; plus strand). Cytogenetic location: 3p25.3.
Variant type: Duplication.
Coding change: c.2404_2405dup on transcript NM_001018115.3 (MANE Select); coding-DNA positions 2404 to 2405, 2 bases duplicated (CA; older notation c.2404_2405dupCA).
Protein change: p.Gln802fs; shifts the reading frame from glutamine 802.
Molecular consequence: frameshift variant.
Genome position (GRCh38, 1-based): chr3:10,067,227-10,067,228, CA duplicated. VCF-style (leftmost placement, unchanged base first): chr3-10067226-C-CCA. GRCh37 (hg19) VCF-style: chr3-10108910-C-CCA.
Other names: c.2404_2405dup, p.Gln802fs (NM_001319984.2, NM_001374254.1, NM_033084.6); c.2293_2294dup, p.Gln765fs (NM_001374253.1); short protein forms Q802fs, Q765fs.
Identifiers: ClinVar variation 3335890 (VCV003335890.2).
Genomic context (GRCh38, chr3:10,067,226, plus strand): 5'-TCTGAACATTTGGAAGTATGAGAATGTAATTTGTACTTTGCAGATTGTAAATGCCTTCTG[C>CCA]CAGGAAACATCACCTGAGATGAAGGGGAAGGTGCTCACTCGGTTAAAGCACATTGTAGAA-3'